The following is an entry in ClinVar:

NM_000054.7(AVPR2):c.335_336del (p.Cys112fs)

Gene: AVPR2 (arginine vasopressin receptor 2; plus strand). Cytogenetic location: Xq28.
Variant type: Microsatellite.
Coding change: c.335_336del on transcript NM_000054.7 (MANE Select); coding-DNA positions 335 to 336, 2 bases deleted (GT; older notation c.335_336delGT).
Protein change: p.Cys112fs; shifts the reading frame from cysteine 112.
Molecular consequence: frameshift variant.
Genome position (GRCh38, 1-based): chrX:153,905,841-153,905,842, GT deleted; deleting any 2 consecutive bases within chrX:153,905,838-153,905,842 gives the same sequence; the c. name uses the placement nearest the transcript's 3' end. VCF-style (leftmost placement, unchanged base first): chrX-153905837-CTG-C. GRCh37 (hg19) VCF-style: chrX-153171291-CTG-C.
Other names: c.335_336del, p.Cys112fs (NM_001146151.3); short protein forms C112fs.
Identifiers: ClinVar variation 4982018 (VCV004982018.1).

ClinVar aggregate classification (germline): Pathogenic (1 of 4 stars; one submission).

Conditions:
AVPR2-related disorder. Also called: AVPR2-related condition.

Submission:

PreventionGenetics, part of Exact Sciences
Classification: Pathogenic for AVPR2-related condition. Last evaluated: 2025-06-27. Review status: criteria provided, single submitter. Criteria: ACMG Guidelines, 2015. Collection method: clinical testing. Allele origin: germline.
Comment: The AVPR2 c.335_336delGT variant is predicted to result in a frameshift and premature protein termination (p.Cys112Serfs*79). This variant has been reported in individuals with nephrogenic diabetes insipidus (referred to as 766delTG in Wildin et al. 1998. PubMed ID: 9853256; Hong et al. 2014. PubMed ID: 24030030). This variant has not been reported in a large population database (gnomAD), indicating this variant is rare. Frameshift variants in AVPR2 are expected to be pathogenic. This variant is interpreted as pathogenic.